The following is an entry in ClinVar:

ClinVar aggregate classification (germline): Benign (1 of 4 stars; one submission).

Allele frequency attached by ClinVar (database versions not stated): ESP Exome Variant Server 0.11430; gnomAD 0.11936 and 0.12309; TOPMed 0.12189; 1000 Genomes Project 30x 0.13242; 1000 Genomes Project 0.13538; gnomAD exomes 0.14008 and 0.14894; ExAC 0.14745.

Submission:

Laboratory for Molecular Medicine, Mass General Brigham Personalized Medicine
Classification: Benign. Last evaluated: 2016-03-28. Review status: criteria provided, single submitter. Criteria: LMM Criteria. Collection method: clinical testing. Allele origin: germline.
Comment: Variant identified in a genome or exome case(s) and assessed due to predicted null impact of the variant or pathogenic assertions in the literature or databases. Disclaimer: This variant has not undergone full assessment. The following are preliminary notes: Frequency in 1000Genomes: 381/2178=17.49%

NM_001099772.2(CYP4B1):c.884_885del (p.Asp295fs)

Gene: CYP4B1 (cytochrome P450 family 4 subfamily B member 1; plus strand). Cytogenetic location: 1p33.
Variant type: Deletion.
Coding change: c.884_885del on transcript NM_001099772.2 (MANE Select); coding-DNA positions 884 to 885, 2 bases deleted (AT; older notation c.884_885delAT).
Protein change: p.Asp295fs; shifts the reading frame from aspartic acid 295.
Molecular consequence: frameshift variant. On other transcripts: non-coding transcript variant (1).
Genome position (GRCh38, 1-based): chr1:46,815,075-46,815,076, AT deleted. VCF-style (leftmost placement, unchanged base first): chr1-46815074-GAT-G. GRCh37 (hg19) VCF-style: chr1-47280746-GAT-G.
Other names: c.881_882del, p.Asp294fs (NM_000779.4); c.839_840del, p.Asp280fs (NM_001319161.2); c.395_396del, p.Asp132fs (NM_001319162.2); c.392_393del, p.Asp131fs (NM_001319163.2); short protein forms D280fs, D131fs, D132fs, D294fs, D295fs.
Identifiers: ClinVar variation 402584 (VCV000402584.4), dbSNP rs3215983, ClinGen allele CA838973.
Genomic context (GRCh38, chr1:46,815,074, plus strand): 5'-TTCTTCTTGTTACCCACCTCCAATACCTCAAGCTGTCCTATTATGCCTTCCCTAACCCAG[GAT>G]GAAGATGACATCAAACTGTCAGATGCAGACCTCCGGGCTGAAGTGGACACATTCATGTTT-3'